The following is an entry in ClinVar:

ClinVar aggregate classification (germline): Conflicting classifications of pathogenicity. Review status: criteria provided, conflicting classifications (1 of 4 stars). 6 submissions from 6 submitters: Uncertain significance (5); Likely benign (1). Last evaluated 2026-10-20.

Conditions:
Glycogen storage disease IV, classic hepatic. Also called: GSD IV, CLASSIC HEPATIC. Identifiers: MedGen C1856301.
Glycogen storage disease, type IV (GSD4). Also called: AMYLOPECTINOSIS; ANDERSEN DISEASE; BRANCHER DEFICIENCY; CIRRHOSIS, FAMILIAL, WITH DEPOSITION OF ABNORMAL GLYCOGEN; GBE1 DEFICIENCY; GLYCOGEN BRANCHING ENZYME DEFICIENCY. Identifiers: Orphanet 367, MedGen C0017923, MONDO:0009292, OMIM 232500.
Inborn genetic diseases. Identifiers: MedGen C0950123, MeSH D030342.

Allele frequency attached by ClinVar (database versions not stated): gnomAD 0.00036 and 0.00037; gnomAD exomes 0.00004 and 0.00007; ExAC 0.00020; TOPMed 0.00037; ESP Exome Variant Server 0.00059; 1000 Genomes Project 0.00020; 1000 Genomes Project 30x 0.00031.
gnomAD v4.1: 123 of 1,573,772 alleles (0.0078%); highest among the groups gnomAD compares: African/African-American, 0.12%; no homozygotes.

Submissions (6):

GeneDx
Classification: Uncertain significance. Last evaluated: 2026-10-20. Review status: criteria provided, single submitter. Criteria: GeneDx Variant Classification Process June 2021. Collection method: clinical testing. Allele origin: germline.
Comment: In silico analysis supports that this missense variant has a deleterious effect on protein structure/function; Has not been previously published as pathogenic or benign to our knowledge

Labcorp Genetics (formerly Invitae), Labcorp
Classification: Likely benign for Glycogen storage disease, type IV; Glycogen storage disease IV, classic hepatic. Last evaluated: 2026-01-24. Review status: criteria provided, single submitter. Criteria: Invitae Variant Classification Sherloc (09022015). Collection method: clinical testing. Allele origin: germline.

Mayo Clinic Laboratories, Mayo Clinic
Classification: Uncertain significance. Last evaluated: 2025-09-15. Review status: criteria provided, single submitter. Criteria: ACMG Guidelines, 2015. Collection method: clinical testing. Allele origin: germline. Observed: 2 variant alleles.
Comment: BP4_moderate, PM2_supporting

Blueprint Genetics
Classification: Uncertain significance. Last evaluated: 2024-08-06. Review status: criteria provided, single submitter. Criteria: ACMG Guidelines, 2015. Collection method: clinical testing. Allele origin: germline.

Ambry Genetics
Classification: Uncertain significance for Inborn genetic diseases. Last evaluated: 2024-07-27. Review status: criteria provided, single submitter. Criteria: Ambry Variant Classification Scheme 2023. Collection method: clinical testing. Allele origin: germline.

Center for Pediatric Genomic Medicine, Children's Mercy Hospital and Clinics
Classification: Uncertain significance. Last evaluated: 2015-11-23. Review status: criteria provided, single submitter. Criteria: ACMG Guidelines, 2015. Collection method: clinical testing. Allele origin: germline.
ClinVar note: Converted during submission from Uncertain Significance to Uncertain significance.

NM_000158.4(GBE1):c.346A>G (p.Lys116Glu)

Gene: GBE1 (1,4-alpha-glucan branching enzyme 1; minus strand). Cytogenetic location: 3p12.2.
Variant type: single nucleotide variant.
Coding change: c.346A>G on transcript NM_000158.4 (MANE Select); coding-DNA position 346, A replaced by G.
Protein change: p.Lys116Glu; replaces lysine 116 with glutamic acid.
Molecular consequence: missense variant.
Genome position (GRCh38, 1-based): chr3:81,670,921, T>C on the plus strand (A>G on the coding strand, the complement: GBE1 is on the minus strand). VCF-style: chr3-81670921-T-C. GRCh37 (hg19) VCF-style: chr3-81720072-T-C.
Other names: p.Lys116Glu; short protein forms K116E.
Identifiers: ClinVar variation 235761 (VCV000235761.22), dbSNP rs377305989, ClinGen allele CA2499996.